The following is an entry in ClinVar:

ClinVar aggregate classification (germline): Uncertain significance (1 of 4 stars; one submission).

Submission:

Labcorp Genetics (formerly Invitae), Labcorp
Classification: Uncertain significance. Last evaluated: 2024-08-21. Review status: criteria provided, single submitter. Criteria: Invitae Variant Classification Sherloc (09022015). Collection method: clinical testing. Allele origin: germline.
Comment: This sequence change replaces glutamic acid, which is acidic and polar, with glycine, which is neutral and non-polar, at codon 365 of the RFWD3 protein (p.Glu365Gly). This variant is not present in population databases (gnomAD no frequency). This variant has not been reported in the literature in individuals affected with RFWD3-related conditions. An algorithm developed to predict the effect of missense changes on protein structure and function (PolyPhen-2) suggests that this variant is likely to be disruptive. In summary, the available evidence is currently insufficient to determine the role of this variant in disease. Therefore, it has been classified as a Variant of Uncertain Significance.

NM_018124.4(RFWD3):c.1094A>G (p.Glu365Gly)

Gene: RFWD3 (ring finger and WD repeat domain 3; minus strand). Cytogenetic location: 16q23.1.
Variant type: single nucleotide variant.
Coding change: c.1094A>G on transcript NM_018124.4 (MANE Select); coding-DNA position 1094, A replaced by G.
Protein change: p.Glu365Gly; replaces glutamic acid 365 with glycine.
Molecular consequence: missense variant.
Genome position (GRCh38, 1-based): chr16:74,637,956, T>C on the plus strand (A>G on the coding strand, the complement: RFWD3 is on the minus strand). VCF-style: chr16-74637956-T-C. GRCh37 (hg19) VCF-style: chr16-74671854-T-C.
Other names: c.1094A>G, p.Glu365Gly (NM_001370534.1, NM_001370535.1, NM_001370536.1); c.260A>G, p.Glu87Gly (NM_001370537.1, NM_001370539.1, NM_001370540.1 and 2 more transcripts); short protein forms E87G, E365G.
Identifiers: ClinVar variation 3663096 (VCV003663096.2).